The following is an entry in ClinVar:

ClinVar aggregate classification (germline): Benign. Review status: criteria provided, multiple submitters, no conflicts (2 of 4 stars). 2 submissions from 2 submitters: Benign (2). Last evaluated 2018-06-14.

Allele frequency attached by ClinVar (database versions not stated): 1000 Genomes Project 30x 0.77530; TOPMed 0.77621; 1000 Genomes Project 0.78375; gnomAD 0.78879 and 0.79883.
gnomAD v4.1: 121,658 of 152,008 alleles (80%); highest among the groups gnomAD compares: East Asian, 98%; 52,836 homozygotes.

Submissions (2):

GeneDx
Classification: Benign. Last evaluated: 2018-06-14. Review status: criteria provided, single submitter. Criteria: GeneDx Variant Classification (06012015). Collection method: clinical testing. Allele origin: germline. Affected: yes.
Comment: This variant is considered likely benign or benign based on one or more of the following criteria: it is a conservative change, it occurs at a poorly conserved position in the protein, it is predicted to be benign by multiple in silico algorithms, and/or has population frequency not consistent with disease.

Breakthrough Genomics
Classification: Benign. Review status: criteria provided, single submitter. Criteria: ACMG Guidelines, 2015. Collection method: not provided. Allele origin: germline. Inheritance: Autosomal recessive inheritance. Affected: yes.

NM_015340.4(LARS2):c.859-161T>C

Gene: LARS2 (leucyl-tRNA synthetase 2, mitochondrial; plus strand). Cytogenetic location: 3p21.31.
Variant type: single nucleotide variant.
Coding change: c.859-161T>C on transcript NM_015340.4 (MANE Select); 161 bases into the intron before coding-DNA position 859, T replaced by C.
Molecular consequence: intron variant.
Genome position (GRCh38, 1-based): chr3:45,476,307, T>C. VCF-style: chr3-45476307-T-C. GRCh37 (hg19) VCF-style: chr3-45517799-T-C.
Other names: c.859-161T>C (NM_001368263.1).
Identifiers: ClinVar variation 684172 (VCV000684172.2), dbSNP rs3733117, ClinGen allele CA15274016.
Genomic context (GRCh38, chr3:45,476,307, plus strand): 5'-GGTGTGGGGCAAGTGGTAGGGGGTGTTTCTGAAAGAGGAACTGTGATCCTCTTCTCAGCT[T>C]CTTCCAGGCACCATCTCAATCCCCACACCCCTGGCCCAGTGGTCAGAGCTGTGGTCACTG-3'